The following is an entry in ClinVar:

NM_001754.5(RUNX1):c.532A>C (p.Thr178Pro)

Genes: RUNX1 (RUNX family transcription factor 1; minus strand), RUNX1-AS1 (RUNX1 antisense RNA 1; plus strand). Cytogenetic location: 21q22.12.
Variant type: single nucleotide variant.
Coding change: c.532A>C on transcript NM_001754.5 (MANE Select); coding-DNA position 532, A replaced by C.
Protein change: p.Thr178Pro; replaces threonine 178 with proline.
Molecular consequence: missense variant.
Genome position (GRCh38, 1-based): chr21:34,859,555, T>G on the plus strand (A>C on the coding strand, the complement: RUNX1 is on the minus strand). VCF-style: chr21-34859555-T-G. GRCh37 (hg19) VCF-style: chr21-36231852-T-G.
Other names: NM_001754.4(RUNX1):c.532A>C; NM_001754.5(RUNX1):c.532A>C; c.451A>C, p.Thr151Pro (NM_001001890.3, NM_001122607.2); short protein forms T178P, T151P.
Identifiers: ClinVar variation 561246 (VCV000561246.8), dbSNP rs1569061931, ClinGen allele CA410208110.

ClinVar aggregate classification (germline): Uncertain significance. Review status: reviewed by expert panel (3 of 4 stars). 4 submissions from 4 submitters: Uncertain significance (1). 3 of the submissions do not count toward it. Last evaluated 2024-10-29.

Conditions:
Hereditary thrombocytopenia and hematologic cancer predisposition syndrome. Identifiers: Orphanet 71290, MedGen CN281654, MONDO:0011071.
Hereditary thrombocytopenia and hematological cancer predisposition syndrome associated with RUNX1. Also called: PLATELET DISORDER, ASPIRIN-LIKE; RUNX1 Familial Platelet Disorder with Associated Myeloid Malignancies; Familial Platelet Disorder with Propensity to Acute Myelogenous Leukemia; Familial thrombocytopenia with propensity to acute myelogenous leukemia. Identifiers: Orphanet 71290, MedGen C1832388, MeSH C563324, MONDO:0100083, OMIM 601399.

Submissions (4):

ClinGen Myeloid Malignancy Variant Curation Expert Panel
Classification: Uncertain significance for Hereditary thrombocytopenia and hematologic cancer predisposition syndrome. Last evaluated: 2024-10-29. Review status: reviewed by expert panel. Criteria: ClinGen MyeloMalig ACMG Specifications v2. Collection method: curation. Allele origin: germline. Inheritance: Autosomal dominant inheritance.
Comment: NM_001754.4:c.532A>C (p.Thr178Pro) is a missense variant which affects one of the residues within the Runt Homology Domain (AA 105-204) (PM1_Supporting). This variant is completely absent from all population databases with at least 20x coverage for RUNX1 (PM2_supporting). This missense variant has a REVEL score >0.75 (0.971) (PP3). This variant has been reported in one proband meeting at least one of the RUNX1-phenotypic criteria (PS4_ Supporting; SCV000807789.1). In summary, the clinical significance of this variant is uncertain (VUS). ACMG/AMP criteria applied, as specified by the ClinGen Myeloid Malignancy Variant Curation Expert Panel for RUNX1: PM2_supporting, PP3, PS4_ supporting, PM1_supporting.

GeneDx
Classification: Uncertain significance. Last evaluated: 2023-07-18. Review status: criteria provided, single submitter. Criteria: GeneDx Variant Classification Process June 2021. Collection method: clinical testing. Allele origin: germline. Affected: yes. Not counted in ClinVar's aggregate classification.
Comment: Not observed at significant frequency in large population cohorts (gnomAD); In silico analysis supports that this missense variant has a deleterious effect on protein structure/function; Has not been previously published as pathogenic or benign to our knowledge

Labcorp Genetics (formerly Invitae), Labcorp
Classification: Uncertain significance for Hereditary thrombocytopenia and hematological cancer predisposition syndrome associated with RUNX1. Last evaluated: 2023-06-24. Review status: criteria provided, single submitter. Criteria: Invitae Variant Classification Sherloc (09022015). Collection method: clinical testing. Allele origin: germline. Not counted in ClinVar's aggregate classification.
Comment: This sequence change replaces threonine, which is neutral and polar, with proline, which is neutral and non-polar, at codon 178 of the RUNX1 protein (p.Thr178Pro). This variant is not present in population databases (gnomAD no frequency). ClinVar contains an entry for this variant (Variation ID: 561246). This variant has not been reported in the literature in individuals affected with RUNX1-related conditions. In summary, the available evidence is currently insufficient to determine the role of this variant in disease. Therefore, it has been classified as a Variant of Uncertain Significance. Advanced modeling of protein sequence and biophysical properties (such as structural, functional, and spatial information, amino acid conservation, physicochemical variation, residue mobility, and thermodynamic stability) has been performed at Invitae for this missense variant, however the output from this modeling did not meet the statistical confidence thresholds required to predict the impact of this variant on RUNX1 protein function.

PreventionGenetics, part of Exact Sciences
Classification: Uncertain significance. Last evaluated: 2014-01-03. Review status: criteria provided, single submitter. Criteria: ACMG Guidelines, 2015. Collection method: clinical testing. Allele origin: germline. Not counted in ClinVar's aggregate classification.